The following is an entry in ClinVar:

ClinVar aggregate classification (germline): Conflicting classifications of pathogenicity. Review status: criteria provided, conflicting classifications (1 of 4 stars). 2 submissions from 2 submitters: Uncertain significance (1); Likely benign (1). Last evaluated 2026-06-01.

Conditions:
TTN-related disorder. Also called: TTN-related disorders; TTN-related condition; TTN-related disease.
Cardiovascular phenotype. Identifiers: MedGen CN230736.

Allele frequency attached by ClinVar (database versions not stated): gnomAD 0.00002; gnomAD exomes 0.00002; TOPMed 0.00002; ExAC 0.00004.
gnomAD v4.1: 38 of 1,613,240 alleles (0.0024%); highest among the groups gnomAD compares: Admixed American, 0.0033%; no homozygotes.

Submissions (2):

PreventionGenetics, part of Exact Sciences
Classification: Uncertain significance for TTN-related condition. Last evaluated: 2026-06-01. Review status: criteria provided, single submitter. Criteria: ACMG Guidelines, 2015. Collection method: clinical testing. Allele origin: germline.
Comment: The TTN c.77542G>A variant is predicted to result in the amino acid substitution p.Asp25848Asn. To our knowledge, this variant has not been reported in the literature. This variant is reported in 0.0036% of alleles in individuals of European (Non-Finnish) descent in gnomAD. At this time, the clinical significance of this variant is uncertain due to the absence of conclusive functional and genetic evidence.

Ambry Genetics
Classification: Likely benign for Cardiovascular phenotype. Last evaluated: 2020-06-15. Review status: criteria provided, single submitter. Criteria: Ambry Variant Classification Scheme 2023. Collection method: clinical testing. Allele origin: germline.

NM_001267550.2(TTN):c.77542G>A (p.Asp25848Asn)

Genes: TTN (titin; minus strand), TTN-AS1 (TTN antisense RNA 1; plus strand). Cytogenetic location: 2q31.2.
Variant type: single nucleotide variant.
Coding change: c.77542G>A on transcript NM_001267550.2 (MANE Select); coding-DNA position 77542, G replaced by A.
Protein change: p.Asp25848Asn; replaces aspartic acid 25848 with asparagine.
Molecular consequence: missense variant.
Genome position (GRCh38, 1-based): chr2:178,568,590, C>T on the plus strand (G>A on the coding strand, the complement: TTN is on the minus strand). VCF-style: chr2-178568590-C-T. GRCh37 (hg19) VCF-style: chr2-179433317-C-T.
Other names: c.72619G>A, p.Asp24207Asn (NM_001256850.1); c.50347G>A, p.Asp16783Asn (NM_003319.4); c.69838G>A, p.Asp23280Asn (NM_133378.4); c.50722G>A, p.Asp16908Asn (NM_133432.3); c.50923G>A, p.Asp16975Asn (NM_133437.4); short protein forms D16908N, D16975N, D23280N, D16783N, D25848N, D24207N.
Identifiers: ClinVar variation 1744912 (VCV001744912.3), dbSNP rs763227305, ClinGen allele CA1989758.